The following is an entry in ClinVar:

ClinVar aggregate classification (germline): Likely pathogenic (1 of 4 stars; one submission).

Submission:

GeneDx
Classification: Likely pathogenic. Last evaluated: 2023-10-27. Review status: criteria provided, single submitter. Criteria: GeneDx Variant Classification Process June 2021. Collection method: clinical testing. Allele origin: germline. Affected: yes.
Comment: Not observed at significant frequency in large population cohorts (gnomAD); In silico analysis supports that this missense variant has a deleterious effect on protein structure/function; Has not been previously published as pathogenic or benign to our knowledge

NM_017934.7(PHIP):c.560A>G (p.Tyr187Cys)

Gene: PHIP (pleckstrin homology domain interacting protein; minus strand). Cytogenetic location: 6q14.1.
Variant type: single nucleotide variant.
Coding change: c.560A>G on transcript NM_017934.7 (MANE Select); coding-DNA position 560, A replaced by G.
Protein change: p.Tyr187Cys; replaces tyrosine 187 with cysteine.
Molecular consequence: missense variant.
Genome position (GRCh38, 1-based): chr6:79,042,883, T>C on the plus strand (A>G on the coding strand, the complement: PHIP is on the minus strand). VCF-style: chr6-79042883-T-C. GRCh37 (hg19) VCF-style: chr6-79752600-T-C.
Other names: short protein forms Y187C.
Identifiers: ClinVar variation 3341052 (VCV003341052.1).